The following is an entry in ClinVar:

ClinVar aggregate classification (germline): Uncertain significance (1 of 4 stars; one submission).

Conditions:
Neuropathy, hereditary sensory and autonomic, type 2A (HSAN2A). Also called: ACROOSTEOLYSIS, GIACCAI TYPE; ACROOSTEOLYSIS, NEUROGENIC; MORVAN DISEASE; NEUROPATHY, CONGENITAL SENSORY; NEUROPATHY, HEREDITARY SENSORY RADICULAR, AUTOSOMAL RECESSIVE; NEUROPATHY, HEREDITARY SENSORY, TYPE IIA. Identifiers: Orphanet 970, MedGen C2752089, MONDO:0024309, OMIM 201300.
Pseudohypoaldosteronism type 2C (PHA2C). Also called: Pseudohypoaldosteronism Type IIC. Identifiers: Orphanet 757, Orphanet 88940, MedGen C1840391, MONDO:0013778, OMIM 614492.

Allele frequency attached by ClinVar (database versions not stated): TOPMed below 0.00001; gnomAD 0.00001.
gnomAD v4.1: 1 of 1,613,990 alleles (0.000062%); highest among the groups gnomAD compares: Non-Finnish European, 0.000085%; no homozygotes.

Submission:

Labcorp Genetics (formerly Invitae), Labcorp
Classification: Uncertain significance for Neuropathy, hereditary sensory and autonomic, type 2A; Pseudohypoaldosteronism type 2C. Last evaluated: 2022-03-23. Review status: criteria provided, single submitter. Criteria: Invitae Variant Classification Sherloc (09022015). Collection method: clinical testing. Allele origin: germline.
Comment: In summary, the available evidence is currently insufficient to determine the role of this variant in disease. Therefore, it has been classified as a Variant of Uncertain Significance. Advanced modeling of protein sequence and biophysical properties (such as structural, functional, and spatial information, amino acid conservation, physicochemical variation, residue mobility, and thermodynamic stability) performed at Invitae indicates that this missense variant is not expected to disrupt WNK1 protein function. This variant has not been reported in the literature in individuals affected with WNK1-related conditions. This variant is not present in population databases (gnomAD no frequency). This sequence change replaces serine, which is neutral and polar, with asparagine, which is neutral and polar, at codon 646 of the WNK1 protein (p.Ser646Asn).

NM_018979.4(WNK1):c.1937G>A (p.Ser646Asn)

Gene: WNK1 (WNK lysine deficient protein kinase 1; plus strand). Cytogenetic location: 12p13.33.
Variant type: single nucleotide variant.
Coding change: c.1937G>A on transcript NM_018979.4 (MANE Select); coding-DNA position 1937, G replaced by A.
Protein change: p.Ser646Asn; replaces serine 646 with asparagine.
Molecular consequence: missense variant.
Genome position (GRCh38, 1-based): chr12:861,329, G>A. VCF-style: chr12-861329-G-A. GRCh37 (hg19) VCF-style: chr12-970495-G-A.
Other names: c.1937G>A, p.Ser646Asn (NM_001184985.2, NM_014823.3, NM_213655.5); short protein forms S646N.
Identifiers: ClinVar variation 2144228 (VCV002144228.4), dbSNP rs1951201717, ClinGen allele CA383335923.